The following is an entry in ClinVar:

NM_007294.4(BRCA1):c.2643A>T (p.Glu881Asp)

Gene: BRCA1 (BRCA1 DNA repair associated; minus strand). Cytogenetic location: 17q21.31.
Variant type: single nucleotide variant.
Coding change: c.2643A>T on transcript NM_007294.4 (MANE Select); coding-DNA position 2643, A replaced by T.
Protein change: p.Glu881Asp; replaces glutamic acid 881 with aspartic acid.
Molecular consequence: missense variant. On other transcripts: intron variant (137).
Genome position (GRCh38, 1-based): chr17:43,092,888, T>A on the plus strand (A>T on the coding strand, the complement: BRCA1 is on the minus strand). VCF-style: chr17-43092888-T-A. GRCh37 (hg19) VCF-style: chr17-41244905-T-A.
Other names: c.2430A>T, p.Glu810Asp (NM_001407916.1, NM_001407917.1, NM_001407918.1 and 9 more transcripts); c.2520A>T, p.Glu840Asp (NM_001407919.1, NM_001407937.1, NM_001407938.1 and 19 more transcripts); c.2379A>T, p.Glu793Asp (NM_001407920.1, NM_001407921.1, NM_001407922.1 and 9 more transcripts); c.2376A>T, p.Glu792Asp (NM_001407934.1, NM_001407936.1, NM_001407930.1 and 2 more transcripts); c.2517A>T, p.Glu839Asp (NM_001407940.1, NM_001407941.1, NM_001407649.1 and 11 more transcripts); c.2502A>T, p.Glu834Asp (NM_001407942.1, NM_001407850.1, NM_001407851.1 and 29 more transcripts); c.2499A>T, p.Glu833Asp (NM_001407943.1, NM_001407841.1, NM_001407842.1 and 20 more transcripts); c.2643A>T, p.Glu881Asp (NM_001407854.1, NM_001407858.1, NM_001407859.1 and 30 more transcripts); and 41 more; short protein forms E585D, E713D, E753D, E754D, E769D, E770D, E792D, E793D.
Identifiers: ClinVar variation 1804788 (VCV001804788.3), dbSNP rs2154367046, ClinGen allele CA10596707.

ClinVar aggregate classification (germline): Conflicting classifications of pathogenicity. Review status: criteria provided, conflicting classifications (1 of 4 stars). 2 submissions from 2 submitters: Uncertain significance (1); Likely benign (1). Last evaluated 2023-03-23.

Conditions:
Hereditary cancer-predisposing syndrome. Also called: Neoplastic Syndromes, Hereditary; Hereditary neoplastic syndrome; Hereditary Cancer Syndrome; Tumor predisposition. Identifiers: Orphanet 140162, MedGen C0027672, MeSH D009386, MONDO:0015356.

Submissions (2):

University of Washington Department of Laboratory Medicine, University of Washington
Classification: Likely benign for Hereditary cancer-predisposing syndrome. Last evaluated: 2023-03-23. Review status: criteria provided, single submitter. Criteria: Dines et al. (Genet Med. 2020). Collection method: curation. Allele origin: germline.
Comment: Missense variant in a coldspot region where missense variants are very unlikely to be pathogenic (PMID:31911673).

BRCA1 coldspot (exon 11 using historical exon numbering). Reclassification based on statistical prior probability

Women's Health and Genetics/Laboratory Corporation of America, LabCorp
Classification: Uncertain significance. Last evaluated: 2022-11-11. Review status: criteria provided, single submitter. Criteria: LabCorp Variant Classification Summary - May 2015. Collection method: clinical testing. Allele origin: germline.
Comment: Variant summary: BRCA1 c.2643A>T (p.Glu881Asp) results in a conservative amino acid change in the encoded protein sequence. Five of five in-silico tools predict a benign effect of the variant on protein function. The variant was absent in 251134 control chromosomes. The available data on variant occurrences in the general population are insufficient to allow any conclusion about variant significance. To our knowledge, no occurrence of c.2643A>T in individuals affected with Hereditary Breast And Ovarian Cancer Syndrome and no experimental evidence demonstrating its impact on protein function have been reported. No clinical diagnostic laboratories have submitted clinical-significance assessments for this variant to ClinVar after 2014. Based on the evidence outlined above, the variant was classified as uncertain significance.